The following is an entry in ClinVar:

NM_004655.4(AXIN2):c.153C>G (p.Val51=)

Gene: AXIN2 (axin 2; minus strand). Cytogenetic location: 17q24.1.
Variant type: single nucleotide variant.
Coding change: c.153C>G on transcript NM_004655.4 (MANE Select); coding-DNA position 153, C replaced by G.
Protein change: p.Val51=; no amino-acid change (valine 51 retained).
Molecular consequence: synonymous variant.
Genome position (GRCh38, 1-based): chr17:65,558,468, G>C on the plus strand (C>G on the coding strand, the complement: AXIN2 is on the minus strand). VCF-style: chr17-65558468-G-C. GRCh37 (hg19) VCF-style: chr17-63554586-G-C.
Other names: c.153C>G, p.Val51= (NM_001363813.1).
Identifiers: ClinVar variation 819438 (VCV000819438.14), dbSNP rs763946063, ClinGen allele CA8719091.

ClinVar aggregate classification (germline): Benign/Likely benign. Review status: criteria provided, multiple submitters, no conflicts (2 of 4 stars). 3 submissions from 3 submitters: Benign (1); Likely benign (2). Last evaluated 2025-11-18.

Conditions:
Oligodontia-cancer predisposition syndrome. Also called: TOOTH AGENESIS-COLORECTAL CANCER SYNDROME. Identifiers: Orphanet 300576, MedGen C1837750, MONDO:0012075, OMIM 608615. Disease mechanism: loss of function.
Hereditary cancer-predisposing syndrome. Also called: Tumor predisposition; Hereditary neoplastic syndrome; Neoplastic Syndromes, Hereditary; Hereditary Cancer Syndrome. Identifiers: Orphanet 140162, MedGen C0027672, MeSH D009386, MONDO:0015356.

Allele frequency attached by ClinVar (database versions not stated): gnomAD exomes below 0.00001; TOPMed below 0.00001; ExAC 0.00001.

Submissions (3):

Labcorp Genetics (formerly Invitae), Labcorp
Classification: Likely benign for Oligodontia-cancer predisposition syndrome. Last evaluated: 2025-11-18. Review status: criteria provided, single submitter. Criteria: Invitae Variant Classification Sherloc (09022015). Collection method: clinical testing. Allele origin: germline.

Myriad Genetics, Inc.
Classification: Benign for Oligodontia-cancer predisposition syndrome. Last evaluated: 2024-06-25. Review status: criteria provided, single submitter. Criteria: Myriad Autosomal Dominant, Autosomal Recessive and X-Linked Classification Criteria (2023). Collection method: clinical testing. Allele origin: unknown.
Comment: This variant is considered benign. This variant is a silent/synonymous amino acid change and it is not expected to impact splicing.

Ambry Genetics
Classification: Likely benign for Hereditary cancer-predisposing syndrome. Last evaluated: 2019-11-22. Review status: criteria provided, single submitter. Criteria: Ambry Variant Classification Scheme 2023. Collection method: clinical testing. Allele origin: germline.